The following is an entry in ClinVar:

NM_198721.4(COL25A1):c.906+5A>T

Gene: COL25A1 (collagen type XXV alpha 1 chain; minus strand). Cytogenetic location: 4q25.
Variant type: single nucleotide variant.
Coding change: c.906+5A>T on transcript NM_198721.4 (MANE Select); 5 bases into the intron after coding-DNA position 906, A replaced by T.
Molecular consequence: intron variant.
Genome position (GRCh38, 1-based): chr4:108,896,662, T>A on the plus strand (A>T on the coding strand, the complement: COL25A1 is on the minus strand). VCF-style: chr4-108896662-T-A. GRCh37 (hg19) VCF-style: chr4-109817818-T-A.
Other names: c.906+5A>T (NM_032518.4); c.894+5A>T (NM_001256074.3).
Identifiers: ClinVar variation 3057433 (VCV003057433.2), dbSNP rs749261897, ClinGen allele CA3039553.

ClinVar aggregate classification (germline): Likely benign (0 of 4 stars; one submission).

Conditions:
COL25A1-related disorder. Also called: COL25A1-related condition.

Allele frequency attached by ClinVar (database versions not stated): gnomAD exomes 0.00001; ExAC 0.00002.
gnomAD v4.1: 21 of 1,613,700 alleles (0.0013%); highest among the groups gnomAD compares: South Asian, 0.02%; no homozygotes.

Submission:

PreventionGenetics, part of Exact Sciences
Classification: Likely benign for COL25A1-related condition. Last evaluated: 2019-03-25. Review status: no assertion criteria provided. Collection method: clinical testing. Allele origin: germline.
Comment: This variant is classified as likely benign based on ACMG/AMP sequence variant interpretation guidelines (Richards et al. 2015 PMID: 25741868, with internal and published modifications).